The following is an entry in ClinVar:

NC_000007.13:g.4827861_(4834029_?)del

Gene: AP5Z1 (adaptor related protein complex 5 subunit zeta 1; plus strand).
Variant type: Deletion.
Identifiers: ClinVar variation 4688305 (VCV004688305.1).

ClinVar aggregate classification (germline): Likely pathogenic (1 of 4 stars; one submission).

Conditions:
Hereditary spastic paraplegia 48. Also called: Spastic paraplegia 48; SPASTIC PARAPLEGIA 48, AUTOSOMAL RECESSIVE. Identifiers: Orphanet 306511, MedGen C3150901, MONDO:0013342, OMIM 613647.

Submission:

Women's Health and Genetics/Laboratory Corporation of America, LabCorp
Classification: Likely pathogenic for Hereditary spastic paraplegia 48. Last evaluated: 2025-12-15. Review status: criteria provided, single submitter. Criteria: LabCorp Variant Classification Summary - May 2015. Collection method: clinical testing. Allele origin: germline.
Comment: Variant summary: The variant involves the deletion of a part of exon 12 through exon 17 in the AP5Z1 gene. A presumed nomenclature of c.1531_(*3013_?)del has been designated for the purposes of this classification. The exact breakpoint at the distal 3' end of this variant is unknown, therefore this deletion may extend downstream of the annotated region of the gene. As it encompasses the termination codon, it is predicted to escape nonsense mediated decay (NMD). The variant was absent in 21694 control chromosomes in the gnomAD database (Structural Variants v2.1 dataset). The available data on variant occurrences in the general population are insufficient to allow any conclusion about variant significance. To our knowledge, no occurrence of c.1531_(*3013_?)del in individuals affected with AP5Z1-related conditions and no experimental evidence demonstrating its impact on protein function have been reported. However, variants in the deleted region have been reported (resulting in truncations / in-frame deletions at the protein level) in individuals affected with spastic paraplegia and macular dystrophy (e.g. PMIDs 40081374, 33059505), suggesting clinical importance for the affected region. ClinVar contains an entry for a similar deletion variant (Variation ID: 417576). Based on the evidence outlined above, the variant was classified as likely pathogenic.